The following is an entry in ClinVar:

ClinVar aggregate classification (germline): Likely benign (0 of 4 stars; one submission).

Conditions:
SERPINA1-related disorder. Also called: SERPINA1-related condition; SerpinA1-related disorders.

Submission:

PreventionGenetics, part of Exact Sciences
Classification: Likely benign for SERPINA1-related condition. Last evaluated: 2024-04-05. Review status: no assertion criteria provided. Collection method: clinical testing. Allele origin: germline.
Comment: This variant is classified as likely benign based on ACMG/AMP sequence variant interpretation guidelines (Richards et al. 2015 PMID: 25741868, with internal and published modifications).

NM_000295.5(SERPINA1):c.1066-4C>T

Gene: SERPINA1 (serpin family A member 1; minus strand). Cytogenetic location: 14q32.13.
Variant type: single nucleotide variant.
Coding change: c.1066-4C>T on transcript NM_000295.5 (MANE Select); 4 bases into the intron before coding-DNA position 1066, C replaced by T.
Molecular consequence: intron variant.
Genome position (GRCh38, 1-based): chr14:94,378,644, G>A on the plus strand (C>T on the coding strand, the complement: SERPINA1 is on the minus strand). VCF-style: chr14-94378644-G-A. GRCh37 (hg19) VCF-style: chr14-94844981-G-A.
Other names: c.1066-4C>T (NM_001002235.3, NM_001127707.2, NM_001127706.2 and 7 more transcripts).
Identifiers: ClinVar variation 3351656 (VCV003351656.1).